The following is an entry in ClinVar:

NM_000070.3(CAPN3):c.196A>C (p.Lys66Gln)

Gene: CAPN3 (calpain 3; plus strand). Cytogenetic location: 15q15.1.
Variant type: single nucleotide variant.
Coding change: c.196A>C on transcript NM_000070.3 (MANE Select); coding-DNA position 196, A replaced by C.
Protein change: p.Lys66Gln; replaces lysine 66 with glutamine.
Molecular consequence: missense variant.
Genome position (GRCh38, 1-based): chr15:42,360,001, A>C. VCF-style: chr15-42360001-A-C. GRCh37 (hg19) VCF-style: chr15-42652199-A-C.
Other names: c.196A>C, p.Lys66Gln (NM_024344.2, NM_173087.2); short protein forms K66Q.
Identifiers: ClinVar variation 841122 (VCV000841122.12), dbSNP rs2052597232, ClinGen allele CA391994763.

ClinVar aggregate classification (germline): Uncertain significance. Review status: criteria provided, single submitter (1 of 4 stars). 2 submissions from 2 submitters: Uncertain significance (1). 1 of the submissions does not count toward it. Last evaluated 2024-02-17.

Conditions:
Autosomal recessive limb-girdle muscular dystrophy type 2A (LGMDR1). Also called: MUSCULAR DYSTROPHY, PELVOFEMORAL; Limb-girdle muscular dystrophy, type 2A; Muscular dystrophy, limb-girdle, type 2A, Amish; LEYDEN-MOEBIUS MUSCULAR DYSTROPHY; Calpainopathy. Identifiers: Orphanet 267, MedGen C1869123, MONDO:0009675, OMIM 253600. Disease mechanism: loss of function.

Submissions (2):

Labcorp Genetics (formerly Invitae), Labcorp
Classification: Uncertain significance for Autosomal recessive limb-girdle muscular dystrophy type 2A. Last evaluated: 2024-02-17. Review status: criteria provided, single submitter. Criteria: Invitae Variant Classification Sherloc (09022015). Collection method: clinical testing. Allele origin: germline.
Comment: This sequence change replaces lysine, which is basic and polar, with glutamine, which is neutral and polar, at codon 66 of the CAPN3 protein (p.Lys66Gln). This variant is not present in population databases (gnomAD no frequency). This variant has not been reported in the literature in individuals affected with CAPN3-related conditions. ClinVar contains an entry for this variant (Variation ID: 841122). Advanced modeling of protein sequence and biophysical properties (such as structural, functional, and spatial information, amino acid conservation, physicochemical variation, residue mobility, and thermodynamic stability) performed at Invitae indicates that this missense variant is not expected to disrupt CAPN3 protein function with a negative predictive value of 80%. In summary, the available evidence is currently insufficient to determine the role of this variant in disease. Therefore, it has been classified as a Variant of Uncertain Significance.

Natera, Inc.
Classification: Uncertain significance for Limb-girdle muscular dystrophy type 2A. Last evaluated: 2020-03-27. Review status: no assertion criteria provided. Collection method: clinical testing. Allele origin: germline. Not counted in ClinVar's aggregate classification.